The following is an entry in ClinVar:

ClinVar aggregate classification (germline): Likely pathogenic. Review status: criteria provided, multiple submitters, no conflicts (2 of 4 stars). 2 submissions from 2 submitters: Likely pathogenic (2). Last evaluated 2025-10-20.

Conditions:
Fanconi anemia (FA). Also called: Fanconi's anemia. Identifiers: Orphanet 84, MedGen C0015625, MeSH D005199, MONDO:0019391.
Fanconi anemia complementation group A (FANCA). Also called: FANCA-Related Fanconi Anemia; Fanconi anemia, group A. Identifiers: Orphanet 84, MedGen C3469521, MONDO:0009215, OMIM 227650.

Submissions (2):

Natera, Inc.
Classification: Likely pathogenic for Fanconi anemia. Last evaluated: 2025-10-20. Review status: criteria provided, single submitter. Criteria: Natera Variant Classification Schema (03/2026). Collection method: clinical testing. Allele origin: germline.
Comment: The c.226A>T variant in FANCA is a nonsense variant predicted to introduce a stop codon at amino acid 76. This variant is expected to result in nonsense mediated decay, truncation, or a dysfunctional protein product. This variant is rare in the general population with a frequency below the threshold expected for the associated phenotype(s). Given the available evidence, this variant is classified as Likely Pathogenic.

Baylor Genetics
Classification: Likely pathogenic for Fanconi anemia complementation group A. Last evaluated: 2022-10-01. Review status: criteria provided, single submitter. Criteria: ACMG Guidelines, 2015. Collection method: clinical testing. Allele origin: unknown.

NM_000135.4(FANCA):c.226A>T (p.Lys76Ter)

Gene: FANCA (FA complementation group A; minus strand). Cytogenetic location: 16q24.3.
Variant type: single nucleotide variant.
Coding change: c.226A>T on transcript NM_000135.4 (MANE Select); coding-DNA position 226, A replaced by T.
Protein change: p.Lys76Ter; replaces lysine 76 with a stop codon.
Molecular consequence: nonsense.
Genome position (GRCh38, 1-based): chr16:89,814,577, T>A on the plus strand (A>T on the coding strand, the complement: FANCA is on the minus strand). VCF-style: chr16-89814577-T-A. GRCh37 (hg19) VCF-style: chr16-89880985-T-A.
Other names: c.226A>T (NM_000135.3); c.226A>T, p.Lys76Ter (NM_001018112.3, NM_001286167.3, NM_001351830.2); short protein forms K76*.
Identifiers: ClinVar variation 2675453 (VCV002675453.2), dbSNP rs2143711335, ClinGen allele CA397482544.
Genomic context (GRCh38, chr16:89,814,577, plus strand): 5'-TACCTATAAATGAACTAGAATGATTAGCATAGGCCTCAGAACTGTCACAGTCAATCACTT[T>A]GCTGAGAGACAATTTTTTACACAGTGGACCTTCTACCTAGAATCCAAAACACAACAAACT-3'